The following is an entry in ClinVar:

NM_002907.4(RECQL):c.1283C>T (p.Ser428Leu)

Gene: RECQL (RecQ like helicase; minus strand). Cytogenetic location: 12p12.1.
Variant type: single nucleotide variant.
Coding change: c.1283C>T on transcript NM_002907.4 (MANE Select); coding-DNA position 1283, C replaced by T.
Protein change: p.Ser428Leu; replaces serine 428 with leucine.
Molecular consequence: missense variant.
Genome position (GRCh38, 1-based): chr12:21,474,913, G>A on the plus strand (C>T on the coding strand, the complement: RECQL is on the minus strand). VCF-style: chr12-21474913-G-A. GRCh37 (hg19) VCF-style: chr12-21627847-G-A.
Other names: c.1283C>T, p.Ser428Leu (NM_032941.3); short protein forms S428L.
Identifiers: ClinVar variation 3222931 (VCV003222931.1), dbSNP rs2540341030, ClinGen allele CA384118527.

ClinVar aggregate classification (germline): Uncertain significance (1 of 4 stars; one submission).

Allele frequency attached by ClinVar (database versions not stated): gnomAD exomes below 0.00001.
gnomAD v4.1: 4 of 1,612,912 alleles (0.00025%); highest among the groups gnomAD compares: Non-Finnish European, 0.00034%; no homozygotes.

Submission:

Ambry Genetics
Classification: Uncertain significance. Last evaluated: 2023-10-15. Review status: criteria provided, single submitter. Criteria: Ambry Variant Classification Scheme 2023. Collection method: clinical testing. Allele origin: germline.
Comment: The p.S428L variant (also known as c.1283C>T), located in coding exon 10 of the RECQL gene, results from a C to T substitution at nucleotide position 1283. The serine at codon 428 is replaced by leucine, an amino acid with dissimilar properties. This amino acid position is conserved. In addition, this alteration is predicted to be tolerated by in silico analysis. Since supporting evidence is limited at this time, the clinical significance of this alteration remains unclear.